The following is an entry in ClinVar:

GRCh38/hg38 7q21.13(chr7:88517003-90255387)x3

Genes: CFAP69 (cilia and flagella associated protein 69; plus strand), STEAP1 (STEAP family member 1; plus strand), STEAP2 (STEAP2 metalloreductase; plus strand), STEAP2-AS1 (STEAP2 antisense RNA 1; minus strand), TEX47 (testis expressed 47; minus strand) and 10 more. Cytogenetic location: 7q21.13.
Variant type: copy number gain.
Change: copy number 3 (three copies instead of two) of chr7:88,517,003-90,255,387 (1.74 Mb, GRCh38 coordinates, 1-based), cytogenetic band 7q21.13.
Identifiers: ClinVar variation 155088 (VCV000155088.2).

ClinVar aggregate classification (germline): conflicting data from submitters (0 of 4 stars; one submission).

Submission:

ISCA site 1
Classification: conflicting data from submitters. Last evaluated: 2016-02-29. Review status: no assertion criteria provided. Collection method: clinical testing. Allele origin: paternal, unknown. Affected: yes. Observed: 2 variant alleles.
Comment: Uncertain significance(1), Likely benign (1)

Copy number variation identified through the course of routine clinical cytogenomic testing in postnatal populations, with clinical assertions as classified by the original submitter. For data from the original published study, Kaminsky, et al. 2011 (PubMed 21844811), please see nstd101.